The following is an entry in ClinVar:

NM_001163435.3(TBCK):c.658+10G>A

Gene: TBCK (TBC1 domain containing kinase; minus strand). Cytogenetic location: 4q24.
Variant type: single nucleotide variant.
Coding change: c.658+10G>A on transcript NM_001163435.3 (MANE Select); 10 bases into the intron after coding-DNA position 658, G replaced by A.
Molecular consequence: intron variant.
Genome position (GRCh38, 1-based): chr4:106,250,408, C>T on the plus strand (G>A on the coding strand, the complement: TBCK is on the minus strand). VCF-style: chr4-106250408-C-T. GRCh37 (hg19) VCF-style: chr4-107171565-C-T.
Other names: c.658+10G>A (NM_001163436.4, NM_001163435.2); c.469+10G>A (NM_033115.5); c.541+10G>A (NM_001163437.3); c.142+10G>A (NM_001290768.2).
Identifiers: ClinVar variation 1608332 (VCV001608332.10), dbSNP rs375345121, ClinGen allele CA3035359.
Genomic context (GRCh38, chr4:106,250,408, plus strand): 5'-CTCAATGTGCATGATTACTAATAGTAAGTTATATTTATATTTGAAAGATAAGCAATTGTA[C>T]GACACTTACCCAAAGTAAGCAAAAATTTTAGTCTTTCAGAAATATCCAAGCTCTGAAATA-3'

ClinVar aggregate classification (germline): Likely benign. Review status: criteria provided, single submitter (1 of 4 stars). 2 submissions from 2 submitters: Likely benign (1). 1 of the submissions does not count toward it. Last evaluated 2025-08-20.

Conditions:
TBCK-related disorder. Also called: TBCK-related disorders; TBCK-related condition.

Allele frequency attached by ClinVar (database versions not stated): gnomAD 0.00002 and 0.00003; TOPMed 0.00006; ESP Exome Variant Server 0.00016.
gnomAD v4.1: 92 of 1,530,144 alleles (0.006%); highest among the groups gnomAD compares: Middle Eastern, 0.017%; 1 homozygote.

Submissions (2):

Labcorp Genetics (formerly Invitae), Labcorp
Classification: Likely benign. Last evaluated: 2025-08-20. Review status: criteria provided, single submitter. Criteria: Invitae Variant Classification Sherloc (09022015). Collection method: clinical testing. Allele origin: germline.

PreventionGenetics, part of Exact Sciences
Classification: Likely benign for TBCK-related condition. Last evaluated: 2019-04-29. Review status: no assertion criteria provided. Collection method: clinical testing. Allele origin: germline. Not counted in ClinVar's aggregate classification.
Comment: This variant is classified as likely benign based on ACMG/AMP sequence variant interpretation guidelines (Richards et al. 2015 PMID: 25741868, with internal and published modifications).